The following is an entry in ClinVar:

NM_182919.4(TICAM1):c.457G>C (p.Gly153Arg)

Gene: TICAM1 (TIR domain containing adaptor molecule 1; minus strand). Cytogenetic location: 19p13.3.
Variant type: single nucleotide variant.
Coding change: c.457G>C on transcript NM_182919.4 (MANE Select); coding-DNA position 457, G replaced by C.
Protein change: p.Gly153Arg; replaces glycine 153 with arginine.
Molecular consequence: missense variant. On other transcripts: intron variant (1).
Genome position (GRCh38, 1-based): chr19:4,817,921, C>G on the plus strand (G>C on the coding strand, the complement: TICAM1 is on the minus strand). VCF-style: chr19-4817921-C-G. GRCh37 (hg19) VCF-style: chr19-4817933-C-G.
Other names: c.322G>C, p.Gly108Arg (NM_001385679.1); c.-71-115G>C (NM_001385680.1); c.415G>C, p.Gly139Arg (NM_001385678.1); short protein forms G139R, G153R, G108R.
Identifiers: ClinVar variation 3699344 (VCV003699344.2).
Genomic context (GRCh38, chr19:4,817,921, plus strand): 5'-AGGGCAAAGCCGAGGATGGTGGGAGGCAGCCCAGATTGGACTGGAGCGTCCGGATGCTCC[C>G]TGGATCCCCAGCAATGTCCCACCCACACCGGTTTCGGGCCTCATCCTGAAGTTCCCCCAG-3'
Protein context (NP_891549.1, residues 143-163): RCGWDIAGDP[Gly153Arg]SIRTLQSNLG

ClinVar aggregate classification (germline): Uncertain significance (1 of 4 stars; one submission).

Conditions:
Encephalopathy, acute, infection-induced (herpes-specific), susceptibility to, 6. Also called: Herpes simplex encephalitis, susceptibility to, 4. Identifiers: Orphanet 1930, MedGen C3553869, MONDO:0013921, OMIM 614850.

Submission:

Labcorp Genetics (formerly Invitae), Labcorp
Classification: Uncertain significance for Encephalopathy, acute, infection-induced (herpes-specific), susceptibility to, 6. Last evaluated: 2024-10-09. Review status: criteria provided, single submitter. Criteria: Invitae Variant Classification Sherloc (09022015). Collection method: clinical testing. Allele origin: germline.
Comment: This sequence change replaces glycine, which is neutral and non-polar, with arginine, which is basic and polar, at codon 153 of the TICAM1 protein (p.Gly153Arg). This variant is present in population databases (rs775140912, gnomAD 0.009%). This variant has not been reported in the literature in individuals affected with TICAM1-related conditions. An algorithm developed to predict the effect of missense changes on protein structure and function (PolyPhen-2) suggests that this variant is likely to be tolerated. In summary, the available evidence is currently insufficient to determine the role of this variant in disease. Therefore, it has been classified as a Variant of Uncertain Significance.